The following is an entry in ClinVar:

NC_000002.11:g.(?_48018046)_(48018282_?)del

Gene: MSH6 (mutS homolog 6; plus strand). Cytogenetic location: 2p16.3.
Variant type: Deletion.
Identifiers: ClinVar variation 2422542 (VCV002422542.4).

ClinVar aggregate classification (germline): Pathogenic (1 of 4 stars; one submission).

Conditions:
Hereditary nonpolyposis colorectal neoplasms. Identifiers: MedGen C0009405, MeSH D003123.

Submission:

Labcorp Genetics (formerly Invitae), Labcorp
Classification: Pathogenic for Hereditary nonpolyposis colorectal neoplasms. Last evaluated: 2022-11-02. Review status: criteria provided, single submitter. Criteria: Invitae Variant Classification Sherloc (09022015). Collection method: clinical testing. Allele origin: germline.
Comment: This variant is a gross deletion of the genomic region encompassing exon(s) 2 of the MSH6 gene. This deletion is out-of-frame, and is expected to create a premature termination codon and result in an absent or disrupted protein product. Loss-of-function variants in MSH6 are known to be pathogenic (PMID: 18269114, 24362816). This variant has not been reported in the literature in individuals affected with MSH6-related conditions. For these reasons, this variant has been classified as Pathogenic.

Literature cited by the submitters: PubMed 18269114; PubMed 24362816.